The following is an entry in ClinVar:

NM_001243177.4(ALDOA):c.1064_1066del (p.Ser355del)

Genes: ALDOA (aldolase, fructose-bisphosphate A; plus strand), LOC112694756 (uncharaterized LOC112694756; plus strand). Cytogenetic location: 16p11.2.
Variant type: Deletion.
Coding change: c.1064_1066del on transcript NM_001243177.4 (MANE Select); coding-DNA positions 1064 to 1066, 3 bases deleted (CCT; older notation c.1064_1066delCCT).
Protein change: p.Ser355del; deletes serine 355.
Molecular consequence: inframe deletion. On other transcripts: 3 prime UTR variant (3).
Genome position (GRCh38, 1-based): chr16:30,069,932-30,069,934, CCT deleted; deleting any 3 consecutive bases within chr16:30,069,930-30,069,934 gives the same sequence; the c. name uses the placement nearest the transcript's 3' end. VCF-style (leftmost placement, unchanged base first): chr16-30069929-TCTC-T. GRCh37 (hg19) VCF-style: chr16-30081250-TCTC-T.
Other names: NM_000034.3:c.902_904del; c.*1411_*1413del (NM_001365304.2, NM_001365305.2, NM_001365307.2); c.902_904del, p.Ser301del (NM_001127617.2, NM_184041.5, NM_184043.2); short protein forms S355del, S301del.
Identifiers: ClinVar variation 808030 (VCV000808030.43), dbSNP rs760550827, ClinGen allele CA8001194.

ClinVar aggregate classification (germline): Uncertain significance. Review status: criteria provided, multiple submitters, no conflicts (2 of 4 stars). 2 submissions from 2 submitters: Uncertain significance (2). Last evaluated 2024-07-15.

Submissions (2):

GeneDx
Classification: Uncertain significance. Last evaluated: 2024-07-15. Review status: criteria provided, single submitter. Criteria: GeneDx Variant Classification Process June 2021. Collection method: clinical testing. Allele origin: germline. Affected: yes.
Comment: Not observed at significant frequency in large population cohorts (gnomAD); In-frame deletion of 1 amino acid in a non-repeat region; In silico analysis supports a deleterious effect on protein structure/function; Has not been previously published as pathogenic or benign to our knowledge

CeGaT Center for Human Genetics Tuebingen
Classification: Uncertain significance. Last evaluated: 2018-03-01. Review status: criteria provided, single submitter. Criteria: CeGaT Center For Human Genetics Tuebingen Variant Classification Criteria Version 2. Collection method: clinical testing. Allele origin: germline. Affected: yes. Observed: 1 variant allele.